The following is an entry in ClinVar:

NM_001142800.2(EYS):c.5734C>T (p.Gln1912Ter)

Gene: EYS (EGF-like photoreceptor maintenance factor; minus strand). Cytogenetic location: 6q12.
Variant type: single nucleotide variant.
Coding change: c.5734C>T on transcript NM_001142800.2 (MANE Select); coding-DNA position 5734, C replaced by T.
Protein change: p.Gln1912Ter; replaces glutamine 1912 with a stop codon.
Molecular consequence: nonsense.
Genome position (GRCh38, 1-based): chr6:64,439,263, G>A on the plus strand (C>T on the coding strand, the complement: EYS is on the minus strand). VCF-style: chr6-64439263-G-A. GRCh37 (hg19) VCF-style: chr6-65149156-G-A.
Other names: c.5734C>T, p.Gln1912Ter (NM_001292009.2); short protein forms Q1912*.
Identifiers: ClinVar variation 2033823 (VCV002033823.5), dbSNP rs2533226182, ClinGen allele CA364392725.
Genomic context (GRCh38, chr6:64,439,263, plus strand): 5'-CATCTACTAAATTTGAGTCTTGCTTGACATACAGCAGAAGTCCATAGGAGCTGAAGGTCT[G>A]AAATTCTAGGGAGATGTTATTTTGTGGATTTAAAGCCACATTCTGAAATTCTAGATAAGA-3'

ClinVar aggregate classification (germline): Pathogenic/Likely pathogenic. Review status: criteria provided, multiple submitters, no conflicts (2 of 4 stars). 2 submissions from 2 submitters: Pathogenic (1); Likely pathogenic (1). Last evaluated 2023-05-15.

Conditions:
Retinitis pigmentosa 25 (RP25). Identifiers: Orphanet 791, MedGen C1864446, MONDO:0011272, OMIM 602772.

Submissions (2):

Baylor Genetics
Classification: Likely pathogenic for Retinitis pigmentosa 25. Last evaluated: 2023-05-15. Review status: criteria provided, single submitter. Criteria: ACMG Guidelines, 2015. Collection method: clinical testing. Allele origin: unknown.

Labcorp Genetics (formerly Invitae), Labcorp
Classification: Pathogenic. Last evaluated: 2022-10-03. Review status: criteria provided, single submitter. Criteria: Invitae Variant Classification Sherloc (09022015). Collection method: clinical testing. Allele origin: germline.
Comment: For these reasons, this variant has been classified as Pathogenic. This variant has not been reported in the literature in individuals affected with EYS-related conditions. This variant is not present in population databases (gnomAD no frequency). This sequence change creates a premature translational stop signal (p.Gln1912*) in the EYS gene. It is expected to result in an absent or disrupted protein product. Loss-of-function variants in EYS are known to be pathogenic (PMID: 18836446, 20333770).

Literature cited by the submitters: PubMed 18836446 (cited by Labcorp Genetics (formerly Invitae), Labcorp); PubMed 20333770 (cited by Labcorp Genetics (formerly Invitae), Labcorp).